The following is an entry in ClinVar:

ClinVar aggregate classification (germline): Benign (1 of 4 stars; one submission).

Allele frequency attached by ClinVar (database versions not stated): gnomAD 0.76301 and 0.76476; TOPMed 0.77422; 1000 Genomes Project 0.80272; 1000 Genomes Project 30x 0.80372.
gnomAD v4.1: 116,256 of 152,002 alleles (76%); highest among the groups gnomAD compares: East Asian, 93%; 44,583 homozygotes.

Submission:

GeneDx
Classification: Benign. Last evaluated: 2018-06-19. Review status: criteria provided, single submitter. Criteria: GeneDx Variant Classification (06012015). Collection method: clinical testing. Allele origin: germline. Affected: yes.
Comment: This variant is considered likely benign or benign based on one or more of the following criteria: it is a conservative change, it occurs at a poorly conserved position in the protein, it is predicted to be benign by multiple in silico algorithms, and/or has population frequency not consistent with disease.

NM_022489.4(INF2):c.2490-292T>C

Gene: INF2 (inverted formin 2; plus strand). Cytogenetic location: 14q32.33.
Variant type: single nucleotide variant.
Coding change: c.2490-292T>C on transcript NM_022489.4 (MANE Select); 292 bases into the intron before coding-DNA position 2490, T replaced by C.
Molecular consequence: intron variant.
Genome position (GRCh38, 1-based): chr14:104,712,141, T>C. VCF-style: chr14-104712141-T-C. GRCh37 (hg19) VCF-style: chr14-105178478-T-C.
Other names: c.2490-292T>C (NM_001031714.4).
Identifiers: ClinVar variation 683642 (VCV000683642.1), dbSNP rs4983534, ClinGen allele CA13985942.
Genomic context (GRCh38, chr14:104,712,141, plus strand): 5'-CCCAGGCAGGAGGGCAGCCTGGGCCACCCCACTACACAGTCCGGGCCCCTAGCACGGAGT[T>C]CTTCCCGGGCTCCACCTGCCCTGGAAGGTTCTCTGGCTCAGGAGCTGCTCAGCCTTGGGG-3'